The following is an entry in ClinVar:

NM_000275.3(OCA2):c.1045-9T>G

Gene: OCA2 (OCA2 melanosomal transmembrane protein; minus strand). Cytogenetic location: 15q13.1.
Variant type: single nucleotide variant.
Coding change: c.1045-9T>G on transcript NM_000275.3 (MANE Select); 9 bases into the intron before coding-DNA position 1045, T replaced by G.
Molecular consequence: intron variant.
Genome position (GRCh38, 1-based): chr15:27,990,656, A>C on the plus strand (T>G on the coding strand, the complement: OCA2 is on the minus strand). VCF-style: chr15-27990656-A-C. GRCh37 (hg19) VCF-style: chr15-28235802-A-C.
Other names: c.1045-990T>G (NM_001300984.2); c.1045-9T>G (NM_000275.2).
Identifiers: ClinVar variation 193572 (VCV000193572.21), dbSNP rs755604671, ClinGen allele CA239105.
Genomic context (GRCh38, chr15:27,990,656, plus strand): 5'-CTGCCAGTGCTGCAAGGGAACCCAGCATGGCCGCCAGAGTTCTGTGCACGATCTGGAAAG[A>C]AGCACAGGAAATTACCGCGTTCCAGTGCACGAGGGAGTTAGCACACACGAAAGCCTGTGT-3'

ClinVar aggregate classification (germline): Conflicting classifications of pathogenicity. Review status: criteria provided, conflicting classifications (1 of 4 stars). 8 submissions from 8 submitters: Pathogenic (1); Likely pathogenic (4); Uncertain significance (2). 1 of the submissions does not count toward it. Last evaluated 2026-03-10.

Conditions:
OCA2-related disorder. Also called: OCA2-related condition.
Tyrosinase-positive oculocutaneous albinism (OCA2). Also called: Oculocutaneous albinism type 2; ALBINISM II; Albinism, oculocutaneous, type II. Identifiers: Orphanet 79432, MedGen C0268495, MONDO:0008746, OMIM 203200.
SKIN/HAIR/EYE PIGMENTATION 1, BLUE/NONBLUE EYES (SHEP1). Also called: HAIR COLOR 3; SKIN/HAIR/EYE PIGMENTATION 1, BLOND/BROWN HAIR; BROWN EYE COLOR 2; EYE COLOR 3; EYE COLOR, BLUE/NONBLUE; EYE COLOR, BROWN/BLUE. Identifiers: MedGen C1856895, OMIM 227220.

Allele frequency attached by ClinVar (database versions not stated): TOPMed below 0.00001; gnomAD 0.00001; gnomAD exomes 0.00001 and 0.00002; ExAC 0.00002.
gnomAD v4.1: 12 of 1,613,448 alleles (0.00074%); highest among the groups gnomAD compares: Admixed American, 0.0083%; no homozygotes.

Submissions (8):

GeneDx
Classification: Likely pathogenic. Last evaluated: 2026-03-10. Review status: criteria provided, single submitter. Criteria: GeneDx Variant Classification Process June 2021. Collection method: clinical testing. Allele origin: germline. Affected: yes.
Comment: RNA studies demonstrate a damaging effect: skipping of exon 10 (PMID: 37650133); This variant is associated with the following publications: (PMID: 37650133, 34838614, 29345414, 38076877, 40996958)

Labcorp Genetics (formerly Invitae), Labcorp
Classification: Pathogenic. Last evaluated: 2026-01-25. Review status: criteria provided, single submitter. Criteria: Invitae Variant Classification Sherloc (09022015). Collection method: clinical testing. Allele origin: germline.
Comment: This sequence change falls in intron 9 of the OCA2 gene. It does not directly change the encoded amino acid sequence of the OCA2 protein. This variant is present in population databases (rs755604671, gnomAD 0.009%). This variant has been observed in individual(s) with oculocutaneous albinism (PMID: 29345414; internal data). In at least one individual the data is consistent with being in trans (on the opposite chromosome) from a pathogenic variant. ClinVar contains an entry for this variant (Variation ID: 193572). Algorithms developed to predict the effect of sequence changes on RNA splicing suggest that this variant may disrupt the consensus splice site. For these reasons, this variant has been classified as Pathogenic.

PreventionGenetics, part of Exact Sciences
Classification: Likely pathogenic for OCA2-related condition. Last evaluated: 2025-07-15. Review status: criteria provided, single submitter. Criteria: ACMG Guidelines, 2015. Collection method: clinical testing. Allele origin: germline.
Comment: The OCA2 c.1045-9T>G variant is predicted to interfere with splicing. This variant has been reported in the homozygous and compound heterozygous states in individuals with oculocutaneous albinism (Lasseaux et al. 2018. PubMed ID: 29345414; Table S1, Wei et al. 2022. PubMed ID: 34838614; Michaud et al. 2023. PubMed ID: 37650133). This variant is present in 0.0085% of alleles in individuals of Latino descent in gnomAD. This variant is interpreted as likely pathogenic.

Baylor Genetics
Classification: Likely pathogenic for SKIN/HAIR/EYE PIGMENTATION 1, BLUE/NONBLUE EYES. Last evaluated: 2023-10-11. Review status: criteria provided, single submitter. Criteria: ACMG Guidelines, 2015. Collection method: clinical testing. Allele origin: unknown.

Blueprint Genetics
Classification: Uncertain significance. Last evaluated: 2022-11-09. Review status: criteria provided, single submitter. Criteria: ACMG Guidelines, 2015. Collection method: clinical testing. Allele origin: germline.

Eurofins Ntd Llc (ga)
Classification: Uncertain significance. Last evaluated: 2017-11-20. Review status: criteria provided, single submitter. Criteria: EGL Classification Definitions 2015. Collection method: clinical testing. Allele origin: germline. Observed: 1 variant allele, 1 heterozygote.

Laboratoire de Génétique Moléculaire, CHU Bordeaux
Classification: Likely pathogenic for Tyrosinase-positive oculocutaneous albinism. Review status: criteria provided, single submitter. Criteria: ACMG Guidelines, 2015. Collection method: clinical testing. Allele origin: germline. Affected: yes.

Genetic Services Laboratory, University of Chicago
Classification: Uncertain significance. Last evaluated: 2022-08-18. Review status: no assertion criteria provided. Collection method: clinical testing. Allele origin: germline. Affected: no. Not counted in ClinVar's aggregate classification.
Comment: DNA sequence analysis of the OCA2 gene demonstrated a sequence change in intron 9, c.1045-9T>G. This change has been described in the homozygous state in an individual with oculocutaneous albinism (PMID: 29345414). This sequence change has been described in the gnomAD database with a frequency of 0.0021% in the overall population (dbSNP rs755604671). This sequence change is not predicted to have a deleterious effect on splicing based on in-silico splice prediction programs. The functional significance of this sequence change is not known at present and its contribution to this individual's disease phenotype cannot definitively be determined.

Literature cited by the submitters: PubMed 29345414 (cited by Labcorp Genetics (formerly Invitae), Labcorp).